The following is an entry in ClinVar:

ClinVar aggregate classification (germline): Uncertain significance (1 of 4 stars; one submission).

Allele frequency attached by ClinVar (database versions not stated): TOPMed below 0.00001.
gnomAD v4.1: 2 of 1,557,638 alleles (0.00013%); highest among the groups gnomAD compares: Admixed American, 0.0043%; no homozygotes.

Submission:

GeneDx
Classification: Uncertain significance. Last evaluated: 2022-07-21. Review status: criteria provided, single submitter. Criteria: GeneDx Variant Classification Process June 2021. Collection method: clinical testing. Allele origin: germline. Affected: yes.
Comment: Not observed at significant frequency in large population cohorts (gnomAD); In silico analysis supports that this missense variant has a deleterious effect on protein structure/function; Has not been previously published as pathogenic or benign to our knowledge

NM_001378615.1(CC2D2A):c.673G>T (p.Gly225Trp)

Genes: CC2D2A (coiled-coil and C2 domain containing 2A; plus strand), FBXL5 (F-box and leucine rich repeat protein 5; minus strand). Cytogenetic location: 4p15.32.
Variant type: single nucleotide variant.
Coding change: c.673G>T on transcript NM_001378615.1 (MANE Select); coding-DNA position 673, G replaced by T.
Protein change: p.Gly225Trp; replaces glycine 225 with tryptophan.
Molecular consequence: missense variant.
Genome position (GRCh38, 1-based): chr4:15,511,379, G>T. VCF-style: chr4-15511379-G-T. GRCh37 (hg19) VCF-style: chr4-15513002-G-T.
Other names: c.673G>T, p.Gly225Trp (NM_001080522.2); c.526G>T, p.Gly176Trp (NM_001378617.1); short protein forms G176W, G225W.
Identifiers: ClinVar variation 2136143 (VCV002136143.1), dbSNP rs1716561380, ClinGen allele CA356409008.